The following is an entry in ClinVar:

NM_006579.3(EBP):c.116C>T (p.Thr39Ile)

Gene: EBP (EBP cholestenol delta-isomerase; plus strand). Cytogenetic location: Xp11.23.
Variant type: single nucleotide variant.
Coding change: c.116C>T on transcript NM_006579.3 (MANE Select); coding-DNA position 116, C replaced by T.
Protein change: p.Thr39Ile; replaces threonine 39 with isoleucine.
Molecular consequence: missense variant.
Genome position (GRCh38, 1-based): chrX:48,523,887, C>T. VCF-style: chrX-48523887-C-T. GRCh37 (hg19) VCF-style: chrX-48382275-C-T.
Other names: short protein forms T39I.
Identifiers: ClinVar variation 2788669 (VCV002788669.3), dbSNP rs2519522113, ClinGen allele CA412851202.

ClinVar aggregate classification (germline): Uncertain significance (1 of 4 stars; one submission).

gnomAD v4.1: 1 of 1,211,452 alleles (0.000083%); highest among the groups gnomAD compares: Non-Finnish European, 0.00011%; no homozygotes.

Submission:

Labcorp Genetics (formerly Invitae), Labcorp
Classification: Uncertain significance. Last evaluated: 2024-11-05. Review status: criteria provided, single submitter. Criteria: Invitae Variant Classification Sherloc (09022015). Collection method: clinical testing. Allele origin: germline.
Comment: This sequence change replaces threonine, which is neutral and polar, with isoleucine, which is neutral and non-polar, at codon 39 of the EBP protein (p.Thr39Ile). This variant is not present in population databases (gnomAD no frequency). This variant has not been reported in the literature in individuals affected with EBP-related conditions. ClinVar contains an entry for this variant (Variation ID: 2788669). Invitae Evidence Modeling of protein sequence and biophysical properties (such as structural, functional, and spatial information, amino acid conservation, physicochemical variation, residue mobility, and thermodynamic stability) indicates that this missense variant is not expected to disrupt EBP protein function with a negative predictive value of 95%. In summary, the available evidence is currently insufficient to determine the role of this variant in disease. Therefore, it has been classified as a Variant of Uncertain Significance.